The following is an entry in ClinVar:

NM_006017.3(PROM1):c.1778G>A (p.Ser593Asn)

Gene: PROM1 (prominin 1; minus strand). Cytogenetic location: 4p15.32.
Variant type: single nucleotide variant.
Coding change: c.1778G>A on transcript NM_006017.3 (MANE Select); coding-DNA position 1778, G replaced by A.
Protein change: p.Ser593Asn; replaces serine 593 with asparagine.
Molecular consequence: missense variant.
Genome position (GRCh38, 1-based): chr4:15,992,381, C>T on the plus strand (G>A on the coding strand, the complement: PROM1 is on the minus strand). VCF-style: chr4-15992381-C-T. GRCh37 (hg19) VCF-style: chr4-15994004-C-T.
Other names: c.1751G>A, p.Ser584Asn (NM_001145847.2, NM_001145848.2, NM_001145851.2 and 4 more transcripts); c.1778G>A, p.Ser593Asn (NM_001145849.2, NM_001145850.2); short protein forms S584N, S593N.
Identifiers: ClinVar variation 967265 (VCV000967265.9), dbSNP rs1371269052, ClinGen allele CA356431046.

ClinVar aggregate classification (germline): Uncertain significance (1 of 4 stars; one submission).

Allele frequency attached by ClinVar (database versions not stated): gnomAD exomes below 0.00001; gnomAD 0.00001; TOPMed 0.00002.
gnomAD v4.1: 5 of 1,612,896 alleles (0.00031%); highest among the groups gnomAD compares: Admixed American, 0.0017%; no homozygotes.

Submission:

Labcorp Genetics (formerly Invitae), Labcorp
Classification: Uncertain significance. Last evaluated: 2019-11-15. Review status: criteria provided, single submitter. Criteria: Invitae Variant Classification Sherloc (09022015). Collection method: clinical testing. Allele origin: germline.
Comment: This sequence change replaces serine with asparagine at codon 593 of the PROM1 protein (p.Ser593Asn). The serine residue is weakly conserved and there is a small physicochemical difference between serine and asparagine. In summary, the available evidence is currently insufficient to determine the role of this variant in disease. Therefore, it has been classified as a Variant of Uncertain Significance. Algorithms developed to predict the effect of missense changes on protein structure and function output the following: SIFT: "Tolerated"; PolyPhen-2: "Benign"; Align-GVGD: "Class C0". The asparagine amino acid residue is found in multiple mammalian species, suggesting that this missense change does not adversely affect protein function. These predictions have not been confirmed by published functional studies and their clinical significance is uncertain. This variant has not been reported in the literature in individuals with PROM1-related conditions. This variant is not present in population databases (ExAC no frequency).